The following is an entry in ClinVar:

NM_000051.4(ATM):c.1015_1032del (p.Ile339_Asn344del)

Gene: ATM (ATM serine/threonine kinase; plus strand). Cytogenetic location: 11q22.3.
Variant type: Deletion.
Coding change: c.1015_1032del on transcript NM_000051.4 (MANE Select); coding-DNA positions 1015 to 1032, 18 bases deleted (ATTGCCGTCAAAGAAAAT).
Protein change: p.Ile339_Asn344del.
Molecular consequence: inframe deletion.
Genome position (GRCh38, 1-based): chr11:108,247,077-108,247,094, ATTGCCGTCAAAGAAAAT deleted; deleting any 18 consecutive bases within chr11:108,247,074-108,247,094 gives the same sequence; the c. name uses the placement nearest the transcript's 3' end. VCF-style (leftmost placement, unchanged base first): chr11-108247073-TAATATTGCCGTCAAAGAA-T. GRCh37 (hg19) VCF-style: chr11-108117800-TAATATTGCCGTCAAAGAA-T.
Other names: c.1015_1032del, p.Ile339_Asn344del (NM_001351834.2).
Identifiers: ClinVar variation 3231989 (VCV003231989.1), dbSNP rs2497181905, ClinGen allele CA2825001762.

ClinVar aggregate classification (germline): Uncertain significance (1 of 4 stars; one submission).

Conditions:
Hereditary cancer-predisposing syndrome. Also called: Neoplastic Syndromes, Hereditary; Tumor predisposition; Hereditary neoplastic syndrome; Hereditary Cancer Syndrome. Identifiers: Orphanet 140162, MedGen C0027672, MeSH D009386, MONDO:0015356.

Submission:

Ambry Genetics
Classification: Uncertain significance for Hereditary cancer-predisposing syndrome. Last evaluated: 2024-02-29. Review status: criteria provided, single submitter. Criteria: Ambry Variant Classification Scheme 2023. Collection method: clinical testing. Allele origin: germline.
Comment: The c.1015_1032del18 variant (also known as p.I339_N344del) is located in coding exon 7 of the ATM gene. This variant results from an in-frame deletion of 18 nucleotides (ATTGCCGTCAAAGAAAAT) at nucleotide positions 1015 to 1032. This results in the in-frame deletion of 6 amino acids (IAVKEN) at codons 339 to 344. This amino acid region is well conserved in available vertebrate species. In addition, this alteration is predicted to be deleterious by in silico analysis (Choi Y et al. PLoS ONE. 2012; 7(10):e46688). Based on the available evidence, the clinical significance of this alteration remains unclear.